The following is an entry in ClinVar:

NC_000016.9:g.(?_88898386)_(88909257_?)del

Gene: GALNS (galactosamine (N-acetyl)-6-sulfatase; minus strand). Cytogenetic location: 16q24.3.
Variant type: Deletion.
Identifiers: ClinVar variation 3243323 (VCV003243323.1).

ClinVar aggregate classification (germline): Pathogenic (1 of 4 stars; one submission).

Conditions:
Mucopolysaccharidosis, MPS-IV-A (MPS4A). Also called: Morquio syndrome A, mild; MORQUIO SYNDROME A; GALACTOSAMINE-6-SULFATASE DEFICIENCY; GALNS DEFICIENCY; MORQUIO A DISEASE; Mucopolysaccharidosis type IV A. Identifiers: Orphanet 309297, Orphanet 582, MedGen C0086651, MONDO:0009659, OMIM 253000.

Submission:

Labcorp Genetics (formerly Invitae), Labcorp
Classification: Pathogenic for Mucopolysaccharidosis, MPS-IV-A. Last evaluated: 2023-04-17. Review status: criteria provided, single submitter. Criteria: Invitae Variant Classification Sherloc (09022015). Collection method: clinical testing. Allele origin: unknown.
Comment: For these reasons, this variant has been classified as Pathogenic. This variant disrupts a region of the GALNS protein in which other variant(s) (p.His329Pro) have been determined to be pathogenic (PMID: 25252036; Invitae). This suggests that this is a clinically significant region of the protein, and that variants that disrupt it are likely to be disease-causing. This variant has not been reported in the literature in individuals affected with GALNS-related conditions. This variant is a gross deletion of the genomic region encompassing exon(s) 2-9 of the GALNS gene. This variant would be expected to be in-frame, preserving the integrity of the reading frame.

Literature cited by the submitters: PubMed 25252036.